The following is an entry in ClinVar:

NM_000334.4(SCN4A):c.-10G>A

Gene: SCN4A (sodium voltage-gated channel alpha subunit 4; minus strand). Cytogenetic location: 17q23.3.
Variant type: single nucleotide variant.
Coding change: c.-10G>A on transcript NM_000334.4 (MANE Select); 10 bases upstream of the start codon, G replaced by A.
Molecular consequence: 5 prime UTR variant.
Genome position (GRCh38, 1-based): chr17:63,972,851, C>T on the plus strand (G>A on the coding strand, the complement: SCN4A is on the minus strand). VCF-style: chr17-63972851-C-T. GRCh37 (hg19) VCF-style: chr17-62050211-C-T.
Identifiers: ClinVar variation 4981261 (VCV004981261.1).

ClinVar aggregate classification (germline): Likely benign (1 of 4 stars; one submission).

Conditions:
SCN4A-related disorder. Also called: SCN4A-related disorders.

gnomAD v4.1: 40 of 1,599,858 alleles (0.0025%); highest among the groups gnomAD compares: Non-Finnish European, 0.0033%; no homozygotes.

Submission:

PreventionGenetics, part of Exact Sciences
Classification: Likely benign for SCN4A-related condition. Last evaluated: 2025-03-24. Review status: criteria provided, single submitter. Criteria: ACMG Guidelines, 2015. Collection method: clinical testing. Allele origin: germline.
Comment: This variant is classified as likely benign based on ACMG/AMP sequence variant interpretation guidelines (Richards et al. 2015 PMID: 25741868, with internal and published modifications).